The following is an entry in ClinVar:

ClinVar aggregate classification (germline): Pathogenic/Likely pathogenic. Review status: criteria provided, multiple submitters, no conflicts (2 of 4 stars). 3 submissions from 3 submitters: Pathogenic (2); Likely pathogenic (1). Last evaluated 2024-05-31.

Conditions:
Aicardi-Goutieres syndrome 5. Identifiers: Orphanet 51, MedGen C2749659, MONDO:0013059, OMIM 612952.
SAMHD1-related disorder. Also called: SAMHD1-related condition.

Submissions (3):

GeneDx
Classification: Pathogenic. Last evaluated: 2024-05-31. Review status: criteria provided, single submitter. Criteria: GeneDx Variant Classification Process June 2021. Collection method: clinical testing. Allele origin: germline. Affected: yes.
Comment: Frameshift variant predicted to result in protein truncation or nonsense mediated decay in a gene for which loss-of-function is a known mechanism of disease; Not observed at a significant frequency in large population cohorts (gnomAD); Has not been previously published as pathogenic or benign to our knowledge

Labcorp Genetics (formerly Invitae), Labcorp
Classification: Pathogenic for Aicardi-Goutieres syndrome 5. Last evaluated: 2024-03-01. Review status: criteria provided, single submitter. Criteria: Invitae Variant Classification Sherloc (09022015). Collection method: clinical testing. Allele origin: germline.
Comment: This sequence change creates a premature translational stop signal (p.Gln190Asnfs*37) in the SAMHD1 gene. It is expected to result in an absent or disrupted protein product. Loss-of-function variants in SAMHD1 are known to be pathogenic (PMID: 19525956, 22461318). This variant is present in population databases (no rsID available, gnomAD 0.0009%). This variant has not been reported in the literature in individuals affected with SAMHD1-related conditions. ClinVar contains an entry for this variant (Variation ID: 1072306). For these reasons, this variant has been classified as Pathogenic.

Blueprint Genetics
Classification: Likely pathogenic for SAMHD1-related disorders. Last evaluated: 2022-10-25. Review status: criteria provided, single submitter. Criteria: ACMG Guidelines, 2015. Collection method: clinical testing. Allele origin: germline. Affected: yes. Observed: 3 variant alleles.

Literature cited by the submitters: PubMed 19525956 (cited by Labcorp Genetics (formerly Invitae), Labcorp); PubMed 22461318 (cited by Labcorp Genetics (formerly Invitae), Labcorp).

NM_015474.4(SAMHD1):c.568_577del (p.Gln190fs)

Gene: SAMHD1 (SAM and HD domain containing deoxynucleoside triphosphate triphosphohydrolase 1; minus strand). Cytogenetic location: 20q11.23.
Variant type: Deletion.
Coding change: c.568_577del on transcript NM_015474.4 (MANE Select); coding-DNA positions 568 to 577, 10 bases deleted (CAGATAAGTG; older notation c.568_577delCAGATAAGTG).
Protein change: p.Gln190fs; shifts the reading frame from glutamine 190.
Molecular consequence: frameshift variant.
Genome position (GRCh38, 1-based): chr20:36,930,808-36,930,817, CACTTATCTG deleted on the plus strand (CAGATAAGTG on the coding strand, the reverse complement: SAMHD1 is on the minus strand); deleting any 10 consecutive bases within chr20:36,930,808-36,930,819 gives the same sequence; the c. name uses the placement nearest the transcript's 3' end. VCF-style (leftmost placement, unchanged base first): chr20-36930807-TCACTTATCTG-T. GRCh37 (hg19) VCF-style: chr20-35559210-TCACTTATCTG-T.
Other names: c.568_577del, p.Gln190fs (NM_001363729.2, NM_001363733.2); short protein forms Q190fs.
Identifiers: ClinVar variation 1072306 (VCV001072306.12), dbSNP rs1328663348, ClinGen allele CA635409136.